The following is an entry in ClinVar:

NM_001080414.4(CCDC88C):c.3499dup (p.Leu1167fs)

Gene: CCDC88C (coiled-coil and HOOK domain protein 88C; minus strand). Cytogenetic location: 14q32.11.
Variant type: Duplication.
Coding change: c.3499dup on transcript NM_001080414.4 (MANE Select); coding-DNA position 3499, one base duplicated (C; older notation c.3499dupC).
Protein change: p.Leu1167fs; shifts the reading frame from leucine 1167.
Molecular consequence: frameshift variant. On other transcripts: non-coding transcript variant (2).
Genome position (GRCh38, 1-based): chr14:91,303,837, G duplicated on the plus strand (C on the coding strand, the reverse complement: CCDC88C is on the minus strand); the first of 3 consecutive G bases (chr14:91,303,837-91,303,839); duplicating any one gives the same sequence. VCF-style (leftmost placement, unchanged base first): chr14-91303836-A-AG. GRCh37 (hg19) VCF-style: chr14-91770180-A-AG.
Other names: short protein forms L1167fs.
Identifiers: ClinVar variation 5016108 (VCV005016108.1).

ClinVar aggregate classification (germline): Pathogenic (1 of 4 stars; one submission).

Conditions:
Hydrocephalus, nonsyndromic, autosomal recessive 1 (HYC1). Also called: Hydrocephalus, nonsyndromic, autosomal recessive; Congenital hydrocephalus 1. Identifiers: Orphanet 2185, MedGen C3887608, MONDO:0009360, OMIM 236600.

Submission:

Myriad Genetics, Inc.
Classification: Pathogenic for Hydrocephalus, nonsyndromic, autosomal recessive 1. Last evaluated: 2026-07-04. Review status: criteria provided, single submitter. Criteria: Myriad Autosomal Dominant, Autosomal Recessive and X-Linked Classification Criteria (2023). Collection method: clinical testing. Allele origin: unknown.
Comment: NM_001080414.3(CCDC88C):c.3499dupC(L1167Pfs*49) is expected to be pathogenic in the context of congenital hydrocephalus, CCDC88C-related. This variant is predicted to lead to an abnormal or absent protein product due to the creation of a premature termination codon in CCDC88C, a gene where loss-of-function variants are known to be pathogenic. Please note: this variant was assessed in the context of healthy population screening.